The following is an entry in ClinVar:

ClinVar aggregate classification (germline): Likely pathogenic (1 of 4 stars; one submission).

Conditions:
Diabetes insipidus, nephrogenic, X-linked. Also called: Nephrogenic Diabetes Insipidus, Type I. Identifiers: Orphanet 223, MedGen C1563705, MONDO:0010581, OMIM 304800.

Submission:

Pediatrics, West China Second University Hospital, Sichuan University
Classification: Likely pathogenic for Diabetes insipidus, nephrogenic, X-linked. Last evaluated: 2025-08-20. Review status: criteria provided, single submitter. Criteria: ACMG Guidelines, 2015. Collection method: clinical testing. Allele origin: germline. Affected: yes.
Comment: The NM_000054.7, c.977dup, is a insertion variant in AVPR2 at position 500 which is predicted to result in a disrupted protein product at position 357 of the AVPR2 protein (PVS1). This variant was found in a proband with diabetes insipidus, nephrogenic, which is a highly specific phenotype for nephrogenic diabetes insipidus (PP4). The variant is absent from the gnomAD population database (PM2_Supporting). In summary, this variant meets criteria to be classified as likely pathogenic for diabetes insipidus, nephrogenic based on the ACMG/AMP criteria applied with the evidence: PVS1, PM2_Supporting, PP4.

NM_000054.7(AVPR2):c.977dup (p.Ser327fs)

Gene: AVPR2 (arginine vasopressin receptor 2; plus strand). Cytogenetic location: Xq28.
Variant type: Duplication.
Coding change: c.977dup on transcript NM_000054.7 (MANE Select); coding-DNA position 977, one base duplicated (C; older notation c.977dupC).
Protein change: p.Ser327fs; shifts the reading frame from serine 327.
Molecular consequence: frameshift variant. On other transcripts: 3 prime UTR variant (1), non-coding transcript variant (1).
Genome position (GRCh38, 1-based): chrX:153,906,589, C duplicated. VCF-style (leftmost placement, unchanged base first): chrX-153906588-G-GC. GRCh37 (hg19) VCF-style: chrX-153172042-G-GC.
Other names: c.*153dup (NM_001146151.3); short protein forms S327fs.
Identifiers: ClinVar variation 4076966 (VCV004076966.1).
Genomic context (GRCh38, chrX:153,906,588, plus strand): 5'-CCCTTTGTGCTACTCATGTTGCTGGCCAGCCTCAACAGCTGCACCAACCCCTGGATCTAT[G>GC]CATCTTTCAGCAGCAGCGTGTCCTCAGAGCTGCGAAGCTTGCTCTGCTGTGCCCGGGGAC-3'